The following is an entry in ClinVar:

ClinVar aggregate classification (germline): Benign. Review status: criteria provided, single submitter (1 of 4 stars). 2 submissions from 2 submitters: Benign (1). 1 of the submissions does not count toward it. Last evaluated 2025-06-01.

Conditions:
CHEK1-related disorder. Also called: CHEK1-related condition.

Allele frequency attached by ClinVar (database versions not stated): ExAC 0.00041; gnomAD exomes 0.00082; 1000 Genomes Project 0.00639; gnomAD 0.00654; 1000 Genomes Project 30x 0.00703; TOPMed 0.00726.
gnomAD v4.1: 1,442 of 694,784 alleles (0.21%); highest among the groups gnomAD compares: African/African-American, 2.2%; 22 homozygotes.

Submissions (2):

CeGaT Center for Human Genetics Tuebingen
Classification: Benign. Last evaluated: 2025-06-01. Review status: criteria provided, single submitter. Criteria: CeGaT Center For Human Genetics Tuebingen Variant Classification Criteria Version 2. Collection method: clinical testing. Allele origin: germline. Affected: yes. Observed: 1 variant allele.
Comment: CHEK1: BP4, BS1, BS2; ENSG00000288907: BS1, BS2

PreventionGenetics, part of Exact Sciences
Classification: Benign for CHEK1-related condition. Last evaluated: 2019-12-23. Review status: no assertion criteria provided. Collection method: clinical testing. Allele origin: germline. Not counted in ClinVar's aggregate classification.
Comment: This variant is classified as benign based on ACMG/AMP sequence variant interpretation guidelines (Richards et al. 2015 PMID: 25741868, with internal and published modifications).

NM_001114122.3(CHEK1):c.-253A>T

Genes: CHEK1 (checkpoint kinase 1; plus strand), LOC118567325 (uncharacterized LOC118567325; minus strand), LOC130007016 (ATAC-STARR-seq lymphoblastoid active region 5700; plus strand). Cytogenetic location: 11q24.2.
Variant type: single nucleotide variant.
Coding change: c.-253A>T on transcript NM_001114122.3 (MANE Select); 253 bases upstream of the start codon, A replaced by T.
Molecular consequence: 5 prime UTR variant. On other transcripts: non-coding transcript variant (2).
Genome position (GRCh38, 1-based): chr11:125,625,780, A>T. VCF-style: chr11-125625780-A-T. GRCh37 (hg19) VCF-style: chr11-125495675-A-T.
Other names: c.-253A>T (NM_001114121.2, NM_001244846.1); c.-332A>T (NM_001330427.2).
Identifiers: ClinVar variation 3044253 (VCV003044253.10), dbSNP rs116191495, ClinGen allele CA6349251.